The following is an entry in ClinVar:

ClinVar aggregate classification (germline): Benign/Likely benign. Review status: criteria provided, multiple submitters, no conflicts (2 of 4 stars). 7 submissions from 7 submitters: Benign (5); Likely benign (2). Last evaluated 2026-02-04.

Conditions:
Hermansky-Pudlak syndrome 2 (HPS2). Also called: Platelet defects and oculocutaneous albinism. Identifiers: Orphanet 183678, Orphanet 79430, MedGen C1842362, MONDO:0011997, OMIM 608233.

Allele frequency attached by ClinVar (database versions not stated): 1000 Genomes Project 30x 0.03295; 1000 Genomes Project 0.03614; TOPMed 0.05136; gnomAD 0.05300 and 0.05363; ESP Exome Variant Server 0.05382; gnomAD exomes 0.05936 and 0.07116; ExAC 0.06111.
gnomAD v4.1: 110,353 of 1,593,932 alleles (6.9%); highest among the groups gnomAD compares: Non-Finnish European, 7.8%; 4,256 homozygotes.

Submissions (7):

Labcorp Genetics (formerly Invitae), Labcorp
Classification: Benign for Hermansky-Pudlak syndrome 2. Last evaluated: 2026-02-04. Review status: criteria provided, single submitter. Criteria: Invitae Variant Classification Sherloc (09022015). Collection method: clinical testing. Allele origin: germline.

Blueprint Genetics
Classification: Likely benign. Last evaluated: 2024-11-26. Review status: criteria provided, single submitter. Criteria: ACMG Guidelines, 2015. Collection method: clinical testing. Allele origin: germline.

Mayo Clinic Laboratories, Mayo Clinic
Classification: Benign. Last evaluated: 2022-09-29. Review status: criteria provided, single submitter. Criteria: ACMG Guidelines, 2015. Collection method: clinical testing. Allele origin: germline. Observed: 270 variant alleles.

GeneDx
Classification: Benign. Last evaluated: 2018-11-10. Review status: criteria provided, single submitter. Criteria: GeneDx Variant Classification Process June 2021. Collection method: clinical testing. Allele origin: germline. Affected: yes.

Laboratory for Molecular Medicine, Mass General Brigham Personalized Medicine
Classification: Benign. Last evaluated: 2013-02-21. Review status: criteria provided, single submitter. Criteria: LMM Criteria. Collection method: clinical testing. Allele origin: germline. Observed: 6 variant alleles.
Comment: 1969-10G>A in intron 17 of AP3B1: This variant is not expected to have clinical significance because it has been identified in 7.5% (642/8600) of European Ameri can chromosomes from a broad population by the NHLBI Exome Sequencing Project (dbSNP rs77009095).

Breakthrough Genomics
Classification: Likely benign. Review status: criteria provided, single submitter. Criteria: ACMG Guidelines, 2015. Collection method: not provided. Allele origin: germline. Inheritance: Autosomal recessive inheritance. Affected: yes.

PreventionGenetics, part of Exact Sciences
Classification: Benign. Review status: criteria provided, single submitter. Criteria: ACMG Guidelines, 2015. Collection method: clinical testing. Allele origin: germline.

NM_003664.5(AP3B1):c.1969-10G>A

Gene: AP3B1 (adaptor related protein complex 3 subunit beta 1; minus strand). Cytogenetic location: 5q14.1.
Variant type: single nucleotide variant.
Coding change: c.1969-10G>A on transcript NM_003664.5 (MANE Select); 10 bases into the intron before coding-DNA position 1969, G replaced by A.
Molecular consequence: intron variant.
Genome position (GRCh38, 1-based): chr5:78,116,244, C>T on the plus strand (G>A on the coding strand, the complement: AP3B1 is on the minus strand). VCF-style: chr5-78116244-C-T. GRCh37 (hg19) VCF-style: chr5-77412068-C-T.
Other names: p.?; c.1822-10G>A (NM_001271769.2).
Identifiers: ClinVar variation 178702 (VCV000178702.21), dbSNP rs77009095, ClinGen allele CA182814.